The following is an entry in ClinVar:

ClinVar aggregate classification (germline): Uncertain significance. Review status: criteria provided, multiple submitters, no conflicts (2 of 4 stars). 2 submissions from 2 submitters: Uncertain significance (2). Last evaluated 2025-08-03.

Conditions:
Inborn genetic diseases. Identifiers: MedGen C0950123, MeSH D030342.

Allele frequency attached by ClinVar (database versions not stated): gnomAD 0.00001; gnomAD exomes 0.00001 and 0.00003; TOPMed 0.00001.
gnomAD v4.1: 41 of 1,551,980 alleles (0.0026%); highest among the groups gnomAD compares: Non-Finnish European, 0.0036%; no homozygotes.

Submissions (2):

Ambry Genetics
Classification: Uncertain significance for Inborn genetic diseases. Last evaluated: 2025-08-03. Review status: criteria provided, single submitter. Criteria: Ambry Variant Classification Scheme 2023. Collection method: clinical testing. Allele origin: germline.

Labcorp Genetics (formerly Invitae), Labcorp
Classification: Uncertain significance. Last evaluated: 2024-01-22. Review status: criteria provided, single submitter. Criteria: Invitae Variant Classification Sherloc (09022015). Collection method: clinical testing. Allele origin: germline.
Comment: This sequence change replaces serine, which is neutral and polar, with asparagine, which is neutral and polar, at codon 1798 of the UNC80 protein (p.Ser1798Asn). The frequency data for this variant in the population databases is considered unreliable, as metrics indicate poor data quality at this position in the gnomAD database. This variant has not been reported in the literature in individuals affected with UNC80-related conditions. ClinVar contains an entry for this variant (Variation ID: 1359763). Advanced modeling of protein sequence and biophysical properties (such as structural, functional, and spatial information, amino acid conservation, physicochemical variation, residue mobility, and thermodynamic stability) performed at Invitae indicates that this missense variant is not expected to disrupt UNC80 protein function with a negative predictive value of 80%. In summary, the available evidence is currently insufficient to determine the role of this variant in disease. Therefore, it has been classified as a Variant of Uncertain Significance.

NM_001371986.1(UNC80):c.5591G>A (p.Ser1864Asn)

Gene: UNC80 (unc-80 subunit of NALCN channel complex; plus strand). Cytogenetic location: 2q34.
Variant type: single nucleotide variant.
Coding change: c.5591G>A on transcript NM_001371986.1 (MANE Select); coding-DNA position 5591, G replaced by A.
Protein change: p.Ser1864Asn; replaces serine 1864 with asparagine.
Molecular consequence: missense variant.
Genome position (GRCh38, 1-based): chr2:209,922,312, G>A. VCF-style: chr2-209922312-G-A. GRCh37 (hg19) VCF-style: chr2-210787036-G-A.
Other names: c.5393G>A, p.Ser1798Asn (NM_032504.2); c.5378G>A, p.Ser1793Asn (NM_182587.4); c.5393G>A (NM_032504.1); short protein forms S1793N, S1798N, S1864N.
Identifiers: ClinVar variation 1359763 (VCV001359763.8), dbSNP rs776350325, ClinGen allele CA65040618.